The following is an entry in ClinVar:

NM_001040142.2(SCN2A):c.2299A>G (p.Ile767Val)

Gene: SCN2A (sodium voltage-gated channel alpha subunit 2; plus strand). Cytogenetic location: 2q24.3.
Variant type: single nucleotide variant.
Coding change: c.2299A>G on transcript NM_001040142.2 (MANE Select); coding-DNA position 2299, A replaced by G.
Protein change: p.Ile767Val; replaces isoleucine 767 with valine.
Molecular consequence: missense variant.
Genome position (GRCh38, 1-based): chr2:165,331,479, A>G. VCF-style: chr2-165331479-A-G. GRCh37 (hg19) VCF-style: chr2-166187989-A-G.
Other names: c.2299A>G, p.Ile767Val (NM_001040143.2, NM_001371246.1, NM_001371247.1 and 1 more transcripts); short protein forms I767V.
Identifiers: ClinVar variation 2941945 (VCV002941945.3), dbSNP rs2467961993, ClinGen allele CA349031225.

ClinVar aggregate classification (germline): Uncertain significance (1 of 4 stars; one submission).

Conditions:
Seizures, benign familial infantile, 3 (BFIS3). Also called: CONVULSIONS, BENIGN FAMILIAL INFANTILE, 3; Familial neonatal seizures. Identifiers: Orphanet 140927, Orphanet 306, MedGen C1843140, MONDO:0011904, OMIM 607745.
Developmental and epileptic encephalopathy, 11 (DEE11). Also called: Early infantile epileptic encephalopathy 11. Identifiers: Orphanet 1934, MedGen C3150987, MONDO:0013388, OMIM 613721.

Submission:

Labcorp Genetics (formerly Invitae), Labcorp
Classification: Uncertain significance for Seizures, benign familial infantile, 3; Developmental and epileptic encephalopathy, 11. Last evaluated: 2022-11-30. Review status: criteria provided, single submitter. Criteria: Invitae Variant Classification Sherloc (09022015). Collection method: clinical testing. Allele origin: germline.
Comment: This sequence change replaces isoleucine, which is neutral and non-polar, with valine, which is neutral and non-polar, at codon 767 of the SCN2A protein (p.Ile767Val). This variant is not present in population databases (gnomAD no frequency). This variant has not been reported in the literature in individuals affected with SCN2A-related conditions. Advanced modeling of protein sequence and biophysical properties (such as structural, functional, and spatial information, amino acid conservation, physicochemical variation, residue mobility, and thermodynamic stability) performed at Invitae indicates that this missense variant is expected to disrupt SCN2A protein function. In summary, the available evidence is currently insufficient to determine the role of this variant in disease. Therefore, it has been classified as a Variant of Uncertain Significance.